The following is an entry in ClinVar:

ClinVar aggregate classification (germline): Pathogenic (1 of 4 stars; one submission).

Submission:

Mayo Clinic Laboratories, Mayo Clinic
Classification: Pathogenic. Last evaluated: 2024-09-11. Review status: criteria provided, single submitter. Criteria: ACMG Guidelines, 2015. Collection method: clinical testing. Allele origin: germline. Observed: 1 variant allele.
Comment: PP4, PM1, PM2, PVS1

Literature cited by the submitters: PubMed 25324542; PubMed 30061496; PubMed 36743691.

NM_000303.3(PMM2):c.34_36delinsTAA (p.Asp12Ter)

Gene: PMM2 (phosphomannomutase 2; plus strand). Cytogenetic location: 16p13.2.
Variant type: Indel.
Coding change: c.34_36delinsTAA on transcript NM_000303.3 (MANE Select); coding-DNA positions 34 to 36, GAC replaced by TAA.
Protein change: p.Asp12Ter; replaces aspartic acid 12 with a stop codon.
Molecular consequence: nonsense.
Genome position (GRCh38, 1-based): chr16:8,797,916-8,797,918, GAC replaced by TAA. VCF-style: chr16-8797916-GAC-TAA. GRCh37 (hg19) VCF-style: chr16-8891773-GAC-TAA.
Other names: p.Asp12*; short protein forms D12*.
Identifiers: ClinVar variation 3381144 (VCV003381144.2).
Genomic context (GRCh38, chr16:8,797,916, plus strand): 5'-TGTAAGGTGCGGCTAGAAACTGGGGACATGGCAGCGCCTGGCCCAGCGCTCTGCCTCTTC[GAC>TAA]GTGGATGGGACCCTCACCGCCCCGCGGCAGGTAAGTGGCGGCCGGCGGGCTGCTGGCAGC-3'